The following is an entry in ClinVar:

ClinVar aggregate classification (germline): Pathogenic (1 of 4 stars; one submission).

Conditions:
Carney complex, type 1 (CNC1). Also called: CARNEY COMPLEX, TYPE I; CARNEY MYXOMA-ENDOCRINE COMPLEX. Identifiers: Orphanet 1359, MedGen C2607929, MONDO:0008057, OMIM 160980.

Submission:

Labcorp Genetics (formerly Invitae), Labcorp
Classification: Pathogenic for Carney complex, type 1. Last evaluated: 2018-03-29. Review status: criteria provided, single submitter. Criteria: Invitae Variant Classification Sherloc (09022015). Collection method: clinical testing. Allele origin: germline.
Comment: A gross deletion of the genomic region encompassing the full coding sequence of the PRKAR1A gene has been identified. The boundaries of this event are unknown as the deletion extends beyond the assayed region for this gene and therefore may encompass additional genes. Whole-gene deletions of PRKAR1A and larger copy number events that include this gene have been reported in individuals affected with Carney complex (PMID: 24170103). Loss-of-function variants in PRKAR1A are known to be pathogenic (PMID: 11115848, 19293268). For these reasons, this variant has been classified as Pathogenic.

Literature cited by the submitters: PubMed 24170103.

NC_000017.11:g.(?_68515394)_(68530455_?)del

Genes: PRKAR1A (protein kinase cAMP-dependent type I regulatory subunit alpha; plus strand), LOC125316783 (Sharpr-MPRA regulatory region 15560; plus strand). Cytogenetic location: 17q24.2.
Variant type: Deletion.
Identifiers: ClinVar variation 584268 (VCV000584268.1).